The following is an entry in ClinVar:

NM_005051.3(QARS1):c.226A>G (p.Ile76Val)

Gene: QARS1 (glutaminyl-tRNA synthetase 1; minus strand). Cytogenetic location: 3p21.31.
Variant type: single nucleotide variant.
Coding change: c.226A>G on transcript NM_005051.3 (MANE Select); coding-DNA position 226, A replaced by G.
Protein change: p.Ile76Val; replaces isoleucine 76 with valine.
Molecular consequence: missense variant.
Genome position (GRCh38, 1-based): chr3:49,104,363, T>C on the plus strand (A>G on the coding strand, the complement: QARS1 is on the minus strand). VCF-style: chr3-49104363-T-C. GRCh37 (hg19) VCF-style: chr3-49141796-T-C.
Other names: c.226A>G, p.Ile76Val (NM_001272073.2); short protein forms I76V.
Identifiers: ClinVar variation 1497413 (VCV001497413.6), dbSNP rs755600734, ClinGen allele CA2392272.

ClinVar aggregate classification (germline): Uncertain significance (1 of 4 stars; one submission).

Conditions:
Diffuse cerebral and cerebellar atrophy - intractable seizures - progressive microcephaly syndrome. Also called: Microcephaly, progressive, with seizures and cerebral and cerebellar atrophy. Identifiers: Orphanet 404437, MedGen C4014239, MONDO:0014335, OMIM 615760.

Allele frequency attached by ClinVar (database versions not stated): gnomAD 0.00001; TOPMed 0.00001; ExAC 0.00002; gnomAD exomes 0.00002.
gnomAD v4.1: 6 of 1,614,078 alleles (0.00037%); highest among the groups gnomAD compares: Admixed American, 0.0067%; no homozygotes.

Submission:

Labcorp Genetics (formerly Invitae), Labcorp
Classification: Uncertain significance for Diffuse cerebral and cerebellar atrophy - intractable seizures - progressive microcephaly syndrome. Last evaluated: 2023-11-27. Review status: criteria provided, single submitter. Criteria: Invitae Variant Classification Sherloc (09022015). Collection method: clinical testing. Allele origin: germline.
Comment: This sequence change replaces isoleucine, which is neutral and non-polar, with valine, which is neutral and non-polar, at codon 76 of the QARS protein (p.Ile76Val). This variant is present in population databases (rs755600734, gnomAD 0.01%). This variant has not been reported in the literature in individuals affected with QARS-related conditions. ClinVar contains an entry for this variant (Variation ID: 1497413). Algorithms developed to predict the effect of missense changes on protein structure and function output the following: SIFT: "Not Available"; PolyPhen-2: "Benign"; Align-GVGD: "Not Available". The valine amino acid residue is found in multiple mammalian species, which suggests that this missense change does not adversely affect protein function. In summary, the available evidence is currently insufficient to determine the role of this variant in disease. Therefore, it has been classified as a Variant of Uncertain Significance.